The following is an entry in ClinVar:

ClinVar aggregate classification (germline): Likely benign (1 of 4 stars; one submission).

Conditions:
Leigh syndrome (NULS). Also called: Leigh's necrotizing encephalopathy; Leigh's disease; Leigh Syndrome (mtDNA deletion); Leigh Disease; Subacute necrotizing encephalopathy; Necrotizing encephalopathy infantile subacute of Leigh. Identifiers: Orphanet 506, MedGen C2931891, MONDO:0009723, OMIM 256000.

Submission:

Wong Mito Lab, Molecular and Human Genetics, Baylor College of Medicine
Classification: Likely benign for Leigh syndrome. Last evaluated: 2019-10-17. Review status: criteria provided, single submitter. Criteria: Modified ACMG Guidelines (Unpublished). Collection method: clinical testing. Allele origin: germline.
Comment: The NC_012920.1:m.9130C>A (YP_003024031.1:p.Leu202Met) variant in MTATP6 gene is interpretated to be a Likely Benign variant based on the modified ACMG guidelines (unpublished). This variant meets the following evidence codes: BS1, BP5

NC_012920.1(MT-ATP6):m.9130C>A

Gene: MT-ATP6 (mitochondrially encoded ATP synthase 6; plus strand).
Variant type: single nucleotide variant.
Genome position: chrM-9130-C-A.
Identifiers: ClinVar variation 693103 (VCV000693103.1), dbSNP rs1603222113, ClinGen allele CA414802267.